The following is an entry in ClinVar:

NM_002805.6(PSMC5):c.601C>T (p.Arg201Trp)

Gene: PSMC5 (proteasome 26S subunit, ATPase 5; plus strand). Cytogenetic location: 17q23.3.
Variant type: single nucleotide variant.
Coding change: c.601C>T on transcript NM_002805.6 (MANE Select); coding-DNA position 601, C replaced by T.
Protein change: p.Arg201Trp; replaces arginine 201 with tryptophan.
Molecular consequence: missense variant.
Genome position (GRCh38, 1-based): chr17:63,830,857, C>T. VCF-style: chr17-63830857-C-T. GRCh37 (hg19) VCF-style: chr17-61908217-C-T.
Other names: c.577C>T, p.Arg193Trp (NM_001199163.2); short protein forms R193W, R201W.
Identifiers: ClinVar variation 4862612 (VCV004862612.1).
Genomic context (GRCh38, chr17:63,830,857, plus strand): 5'-GTTCCCCTGTAGGGAGTGCTGCTGTATGGACCTCCAGGCACTGGGAAGACACTGTTGGCC[C>T]GGGCTGTGGCTCATCATACGGACTGTACCTTTATTCGTGTCTCTGGCTCTGAACTGGTAC-3'
Protein context (NP_002796.4, residues 191-211): PPGTGKTLLA[Arg201Trp]AVAHHTDCTF

ClinVar aggregate classification (germline): Uncertain significance (1 of 4 stars; one submission).

Submission:

Ambry Genetics
Classification: Uncertain significance. Last evaluated: 2026-03-16. Review status: criteria provided, single submitter. Criteria: Ambry Variant Classification Scheme 2023. Collection method: clinical testing. Allele origin: germline.
Comment: The c.601C>T (p.R201W) alteration is located in exon 7 (coding exon 7) of the PSMC5 gene. This alteration results from a C to T substitution at nucleotide position 601, causing the arginine (R) at amino acid position 201 to be replaced by a tryptophan (W). This variant was not reported in population-based cohorts in the Genome Aggregation Database (gnomAD). This variant was reported in individual(s) with features consistent with PSMC5-related neurodevelopmental disorder (K&uuml;ry, 2025). This amino acid position is highly conserved in available vertebrate species. This missense variant is located in a region that has a low rate of benign missense variation (Lek, 2016; Firth, 2009). This alteration is predicted to be deleterious by in silico analysis. Based on insufficient or conflicting evidence, the clinical significance of this alteration remains unclear.

Literature cited by the submitters: PubMed 41298377.